The following is an entry in ClinVar:

NM_001754.5(RUNX1):c.1182C>T (p.Gly394=)

Gene: RUNX1 (RUNX family transcription factor 1; minus strand). Cytogenetic location: 21q22.12.
Variant type: single nucleotide variant.
Coding change: c.1182C>T on transcript NM_001754.5 (MANE Select); coding-DNA position 1182, C replaced by T.
Protein change: p.Gly394=; no amino-acid change (glycine 394 retained).
Molecular consequence: synonymous variant.
Genome position (GRCh38, 1-based): chr21:34,792,396, G>A on the plus strand (C>T on the coding strand, the complement: RUNX1 is on the minus strand). VCF-style: chr21-34792396-G-A. GRCh37 (hg19) VCF-style: chr21-36164693-G-A.
Other names: NM_001754.5(RUNX1):c.1182C>T; p.Gly394=; c.1101C>T, p.Gly367= (NM_001001890.3).
Identifiers: ClinVar variation 3791509 (VCV003791509.3).

ClinVar aggregate classification (germline): Likely benign. Review status: reviewed by expert panel (3 of 4 stars). 2 submissions from 2 submitters: Likely benign (1). 1 of the submissions does not count toward it. Last evaluated 2026-04-29.

Conditions:
Inborn genetic diseases. Identifiers: MedGen C0950123, MeSH D030342.
Hereditary thrombocytopenia and hematologic cancer predisposition syndrome. Identifiers: Orphanet 71290, MedGen CN281654, MONDO:0011071.

gnomAD v4.1: 1 of 1,565,988 alleles (0.000064%); highest among the groups gnomAD compares: South Asian, 0.0012%; no homozygotes.

Submissions (2):

ClinGen Myeloid Malignancy Variant Curation Expert Panel
Classification: Likely benign for Hereditary thrombocytopenia and hematologic cancer predisposition syndrome. Last evaluated: 2026-04-29. Review status: reviewed by expert panel. Criteria: ClinGen MyeloMalig ACMG Specifications V3.1. Collection method: curation. Allele origin: germline. Inheritance: Autosomal dominant inheritance.
Comment: NM_001754.5(RUNX1):c.1182C>T (p.Gly394=) is a synonymous variant which has a SpliceAI score ≤ 0.20 (0.02) (BP4, BP7). This variant has a MAF ≤ 0.00005 in gnomAD v4 across all subpopulations with at least 20X coverage for RUNX1 (PM2_supporting). In summary, this variant meets criteria to be classified as likely benign. ACMG/AMP criteria applied, as specified by the Myeloid Malignancy Variant Curation Expert Panel for RUNX1: BP4, BP7, PM2_supporting.

Ambry Genetics
Classification: Likely benign for Inborn genetic diseases. Last evaluated: 2025-02-13. Review status: criteria provided, single submitter. Criteria: Ambry Variant Classification Scheme 2023. Collection method: clinical testing. Allele origin: germline. Not counted in ClinVar's aggregate classification.